The following is an entry in ClinVar:

NM_000334.4(SCN4A):c.951A>G (p.Ser317=)

Gene: SCN4A (sodium voltage-gated channel alpha subunit 4; minus strand). Cytogenetic location: 17q23.3.
Variant type: single nucleotide variant.
Coding change: c.951A>G on transcript NM_000334.4 (MANE Select); coding-DNA position 951, A replaced by G.
Protein change: p.Ser317=; no amino-acid change (serine 317 retained).
Molecular consequence: synonymous variant.
Genome position (GRCh38, 1-based): chr17:63,968,108, T>C on the plus strand (A>G on the coding strand, the complement: SCN4A is on the minus strand). VCF-style: chr17-63968108-T-C. GRCh37 (hg19) VCF-style: chr17-62045468-T-C.
Identifiers: ClinVar variation 705561 (VCV000705561.17), dbSNP rs185246154, ClinGen allele CA8709991.
Genomic context (GRCh38, chr17:63,968,108, plus strand): 5'-ATCAAAGGTATCGTTGGTGGCCCAGCTTGCATGGCTGTTCCACGTGTCGTTGGCATACCA[T>C]GAGTCATTGCCGTACCACATCTCATTGCCATACCATGTGTCATTGCCGTACCACGTGTCA-3'
Protein context (NP_000325.4, residues 307-327): YGNEMWYGND[Ser317=]WYANDTWNSH

ClinVar aggregate classification (germline): Conflicting classifications of pathogenicity. Review status: criteria provided, conflicting classifications (1 of 4 stars). 7 submissions from 3 submitters: Uncertain significance (1); Benign (4); Likely benign (2). Last evaluated 2026-05-28.

Conditions:
SCN4A-related disorder. Also called: SCN4A-related disorders.
Congenital myasthenic syndrome 16. Identifiers: Orphanet 590, MedGen C3280112, MONDO:0013620, OMIM 614198.
Paramyotonia congenita of Von Eulenburg. Also called: PARALYSIS PERIODICA PARAMYOTONICA; Eulenburg disease; Myotonia congenita intermittens; Von Eulenburg paramyotonia congenita; Paramyotonia Congenita. Identifiers: Orphanet 684, MedGen C0221055, MONDO:0008195, OMIM 168300. Disease mechanism: loss of function.
Hyperkalemic periodic paralysis. Also called: Familial hyperkalemic periodic paralysis; Gamstorp disease. Identifiers: Orphanet 682, MedGen C0238357, MONDO:0008224, OMIM 170500, HP:0007215.
Potassium-aggravated myotonia. Also called: MYOTONIA CONGENITA, ACETAZOLAMIDE-RESPONSIVE; MYOTONIA CONGENITA, ATYPICAL; SODIUM CHANNEL MUSCLE DISEASE; Myotonia congenita, atypical, acetazolamide-responsive. Identifiers: Orphanet 612, Orphanet 99734, Orphanet 99735, Orphanet 99736, MedGen C2931826, MONDO:0018959, OMIM 608390.
Hypokalemic periodic paralysis, type 2 (HOKPP2). Identifiers: Orphanet 681, MedGen C2750061, MONDO:0013234, OMIM 613345.

Allele frequency attached by ClinVar (database versions not stated): gnomAD 0.00044 and 0.00039; 1000 Genomes Project 0.00060; gnomAD exomes 0.00003 and 0.00008; 1000 Genomes Project 30x 0.00062; ExAC 0.00012; ESP Exome Variant Server 0.00023; TOPMed 0.00044.
gnomAD v4.1: 111 of 1,613,912 alleles (0.0069%); highest among the groups gnomAD compares: African/African-American, 0.14%; no homozygotes.

Submissions (7):

PreventionGenetics, part of Exact Sciences
Classification: Likely benign for SCN4A-related condition. Last evaluated: 2026-05-28. Review status: criteria provided, single submitter. Criteria: ACMG Guidelines, 2015. Collection method: clinical testing. Allele origin: germline.
Comment: This variant is classified as likely benign based on ACMG/AMP sequence variant interpretation guidelines (Richards et al. 2015 PMID: 25741868, with internal and published modifications).

Labcorp Genetics (formerly Invitae), Labcorp
Classification: Likely benign for Hyperkalemic periodic paralysis. Last evaluated: 2026-01-06. Review status: criteria provided, single submitter. Criteria: Invitae Variant Classification Sherloc (09022015). Collection method: clinical testing. Allele origin: germline.

Illumina Laboratory Services, Illumina
Classification: Benign for Paramyotonia congenita of Von Eulenburg. Last evaluated: 2018-01-12. Review status: criteria provided, single submitter. Criteria: ICSL Variant Classification Criteria 13 December 2019. Collection method: clinical testing. Allele origin: germline.
Comment: This variant was observed in the ICSL laboratory as part of a predisposition screen in an ostensibly healthy population. It had not been previously curated by ICSL or reported in the Human Gene Mutation Database (HGMD: prior to June 1st, 2018), and was therefore a candidate for classification through an automated scoring system. Utilizing variant allele frequency, disease prevalence and penetrance estimates, and inheritance mode, an automated score was calculated to assess if this variant is too frequent to cause the disease. Based on the score and internal cut-off values, a variant classified as benign is not then subjected to further curation. The score for this variant resulted in a classification of benign for this disease.

Illumina Laboratory Services, Illumina
Classification: Benign for Hypokalemic periodic paralysis, type 2. Last evaluated: 2018-01-12. Review status: criteria provided, single submitter. Criteria: ICSL Variant Classification Criteria 13 December 2019. Collection method: clinical testing. Allele origin: germline.
Comment: the same text as in the submission from Illumina Laboratory Services, Illumina above.

Illumina Laboratory Services, Illumina
Classification: Uncertain significance for Congenital myasthenic syndrome 16. Last evaluated: 2018-01-12. Review status: criteria provided, single submitter. Criteria: ICSL Variant Classification Criteria 13 December 2019. Collection method: clinical testing. Allele origin: germline.

Illumina Laboratory Services, Illumina
Classification: Benign for Potassium-aggravated myotonia. Last evaluated: 2018-01-12. Review status: criteria provided, single submitter. Criteria: ICSL Variant Classification Criteria 13 December 2019. Collection method: clinical testing. Allele origin: germline.
Comment: the same text as in the submission from Illumina Laboratory Services, Illumina above.

Illumina Laboratory Services, Illumina
Classification: Benign for Hyperkalemic periodic paralysis. Last evaluated: 2018-01-12. Review status: criteria provided, single submitter. Criteria: ICSL Variant Classification Criteria 13 December 2019. Collection method: clinical testing. Allele origin: germline.
Comment: the same text as in the submission from Illumina Laboratory Services, Illumina above.